The following is an entry in ClinVar:

ClinVar aggregate classification (germline): Uncertain significance (1 of 4 stars; one submission).

Conditions:
Mucopolysaccharidosis, MPS-III-A (MPS3A). Also called: HEPARAN SULFATE SULFATASE DEFICIENCY; SANFILIPPO SYNDROME A; SULFAMIDASE DEFICIENCY; MPS III A; Mucopolysaccharidosis type IIIA (Sanfilippo A); Mucopolysaccharidosis, type IIIA. Identifiers: Orphanet 581, Orphanet 79269, MedGen C0086647, MONDO:0009655, OMIM 252900.

Submission:

Labcorp Genetics (formerly Invitae), Labcorp
Classification: Uncertain significance for Mucopolysaccharidosis, MPS-III-A. Last evaluated: 2022-03-14. Review status: criteria provided, single submitter. Criteria: Invitae Variant Classification Sherloc (09022015). Collection method: clinical testing. Allele origin: germline.
Comment: This sequence change replaces serine, which is neutral and polar, with tyrosine, which is neutral and polar, at codon 100 of the SGSH protein (p.Ser100Tyr). This variant is not present in population databases (gnomAD no frequency). This variant has not been reported in the literature in individuals affected with SGSH-related conditions. Advanced modeling of protein sequence and biophysical properties (such as structural, functional, and spatial information, amino acid conservation, physicochemical variation, residue mobility, and thermodynamic stability) performed at Invitae indicates that this missense variant is expected to disrupt SGSH protein function. In summary, the available evidence is currently insufficient to determine the role of this variant in disease. Therefore, it has been classified as a Variant of Uncertain Significance.

NM_000199.5(SGSH):c.299C>A (p.Ser100Tyr)

Gene: SGSH (N-sulfoglucosamine sulfohydrolase; minus strand). Cytogenetic location: 17q25.3.
Variant type: single nucleotide variant.
Coding change: c.299C>A on transcript NM_000199.5 (MANE Select); coding-DNA position 299, C replaced by A.
Protein change: p.Ser100Tyr; replaces serine 100 with tyrosine.
Molecular consequence: missense variant.
Genome position (GRCh38, 1-based): chr17:80,215,089, G>T on the plus strand (C>A on the coding strand, the complement: SGSH is on the minus strand). VCF-style: chr17-80215089-G-T. GRCh37 (hg19) VCF-style: chr17-78188888-G-T.
Other names: c.299C>A, p.Ser100Tyr (NM_001352921.3, NM_001352922.2); short protein forms S100Y.
Identifiers: ClinVar variation 1951623 (VCV001951623.2), dbSNP rs2144754691, ClinGen allele CA401363778.